The following is an entry in ClinVar:

NM_006269.2(RP1):c.1234dup (p.Met412fs)

Gene: RP1 (RP1 axonemal microtubule associated; plus strand). Cytogenetic location: 8q12.1.
Variant type: Duplication.
Coding change: c.1234dup on transcript NM_006269.2 (MANE Select); coding-DNA position 1234, one base duplicated (A; older notation c.1234dupA).
Protein change: p.Met412fs; shifts the reading frame from methionine 412.
Molecular consequence: frameshift variant. On other transcripts: intron variant (1).
Genome position (GRCh38, 1-based): chr8:54,625,116, A duplicated; the last of 3 consecutive A bases (chr8:54,625,114-54,625,116); duplicating any one gives the same sequence. VCF-style (leftmost placement, unchanged base first): chr8-54625113-C-CA. GRCh37 (hg19) VCF-style: chr8-55537673-C-CA.
Other names: c.787+2828dup (NM_001375654.1); short protein forms M412fs.
Identifiers: ClinVar variation 802404 (VCV000802404.9), dbSNP rs760283610, ClinGen allele CA4751339.
Genomic context (GRCh38, chr8:54,625,113, plus strand): 5'-GTGTCACCTATGGAGCGAAGCAGTAATCAAGAGGGCAGTTTGGCAGAGGAGATAAACATT[C>CA]AAATGACAGATCAAGTGGCTGAAACTTGCAGTTCTGCTAGTTGGGAGAATGCTACTGTGG-3'

ClinVar aggregate classification (germline): Pathogenic/Likely pathogenic. Review status: criteria provided, multiple submitters, no conflicts (2 of 4 stars). 6 submissions from 6 submitters: Pathogenic (4); Likely pathogenic (2). Last evaluated 2025-04-02.

Conditions:
RP1-related disorder. Also called: RP1-related condition.
Retinitis pigmentosa (RP). Identifiers: Orphanet 791, MedGen C0035334, MeSH D012174, MONDO:0019200, OMIM 268000. Inheritance: Autosomal dominant, autosomal recessive and X linked inheritance.
Retinitis pigmentosa 1 (RP1). Identifiers: Orphanet 791, MedGen C0220701, MONDO:0008377, OMIM 180100.

Submissions (6):

Dasa
Classification: Pathogenic. Last evaluated: 2025-04-02. Review status: criteria provided, single submitter. Criteria: DASA Assertion Criteria. Collection method: clinical testing. Allele origin: germline.
Comment: NM_006269.2(RP1):c.1234dup (p.Met412Asnfs*7) introduces a premature termination codon predicted to result in loss of normal protein function. Loss-of-function is an established mechanism of disease for this gene. This variant has been recurrently observed in affected individuals with related phenotype in a genotype context consistent with recessive disease (PMID: 32005865; PMID: 32565670; PMID: 33576794). The variant is present at low frequency in population datasets. Based on the available data, this variant is classified as pathogenic.

Department of Human Genetics, Hannover Medical School
Classification: Likely pathogenic for Retinitis pigmentosa 1. Last evaluated: 2024-09-25. Review status: criteria provided, single submitter. Criteria: ACMG Guidelines, 2015. Collection method: clinical testing. Allele origin: germline. Affected: yes.

Labcorp Genetics (formerly Invitae), Labcorp
Classification: Pathogenic. Last evaluated: 2023-10-22. Review status: criteria provided, single submitter. Criteria: Invitae Variant Classification Sherloc (09022015). Collection method: clinical testing. Allele origin: germline.
Comment: This sequence change creates a premature translational stop signal (p.Met412Asnfs*7) in the RP1 gene. While this is not anticipated to result in nonsense mediated decay, it is expected to disrupt the last 1745 amino acid(s) of the RP1 protein. This variant is present in population databases (rs760283610, gnomAD 0.0009%). This premature translational stop signal has been observed in individuals with autosomal recessive retinitis pigmentosa (PMID: 30902645, 32005865, 32565670, 33576794). ClinVar contains an entry for this variant (Variation ID: 802404). This variant disrupts the C-terminus of the RP1 protein. Many variants that disrupt this region have been reported in individuals with either autosomal dominant or autosomal recessive retinitis pigmentosa (PMID: 11527933, 19933189, 29425069, 30027431, 33681214). Therefore, variants that disrupt this region are expected to be disease-causing. For these reasons, this variant has been classified as Pathogenic.

Blueprint Genetics
Classification: Pathogenic for RP1-related disorders. Last evaluated: 2023-05-22. Review status: criteria provided, single submitter. Criteria: ACMG Guidelines, 2015. Collection method: clinical testing. Allele origin: germline. Affected: yes. Observed: 1 variant allele.

Ocular Genomics Institute, Massachusetts Eye and Ear
Classification: Likely pathogenic for Retinitis pigmentosa 1. Last evaluated: 2021-04-08. Review status: criteria provided, single submitter. Criteria: ACMG Guidelines, 2015. Collection method: research. Allele origin: germline. Affected: yes.
Comment: Through a review of available evidence we were able to apply the following criteria: PVS1, PM2. Based on this evidence we have classified this variant as Likely Pathogenic.

Mendelics
Classification: Pathogenic for Retinitis pigmentosa. Last evaluated: 2019-05-28. Review status: criteria provided, single submitter. Criteria: Mendelics Assertion Criteria 2017. Collection method: clinical testing. Allele origin: unknown.

Literature cited by the submitters: PubMed 32005865 (cited by Dasa and Labcorp Genetics (formerly Invitae), Labcorp); PubMed 32565670 (cited by Dasa and Labcorp Genetics (formerly Invitae), Labcorp); PubMed 33576794 (cited by Dasa and Labcorp Genetics (formerly Invitae), Labcorp); PubMed 30902645 (cited by Labcorp Genetics (formerly Invitae), Labcorp); PubMed 11527933 (cited by Labcorp Genetics (formerly Invitae), Labcorp); PubMed 19933189 (cited by Labcorp Genetics (formerly Invitae), Labcorp); PubMed 29425069 (cited by Labcorp Genetics (formerly Invitae), Labcorp); PubMed 30027431 (cited by Labcorp Genetics (formerly Invitae), Labcorp); PubMed 33681214 (cited by Labcorp Genetics (formerly Invitae), Labcorp).